The following is an entry in ClinVar:

NM_005045.4(RELN):c.1864A>G (p.Thr622Ala)

Gene: RELN (reelin; minus strand). Cytogenetic location: 7q22.1.
Variant type: single nucleotide variant.
Coding change: c.1864A>G on transcript NM_005045.4 (MANE Select); coding-DNA position 1864, A replaced by G.
Protein change: p.Thr622Ala; replaces threonine 622 with alanine.
Molecular consequence: missense variant.
Genome position (GRCh38, 1-based): chr7:103,651,689, T>C on the plus strand (A>G on the coding strand, the complement: RELN is on the minus strand). VCF-style: chr7-103651689-T-C. GRCh37 (hg19) VCF-style: chr7-103292136-T-C.
Other names: c.1864A>G, p.Thr622Ala (NM_173054.3); short protein forms T622A.
Identifiers: ClinVar variation 1518343 (VCV001518343.8), dbSNP rs2117389074, ClinGen allele CA368764262.

ClinVar aggregate classification (germline): Uncertain significance (1 of 4 stars; one submission).

Conditions:
Familial temporal lobe epilepsy 7. Identifiers: Orphanet 101046, MedGen C4225327, MONDO:0014639, OMIM 616436.
Norman-Roberts syndrome (LIS2). Also called: Lissencephaly 2 (Norman-Roberts type). Identifiers: Orphanet 89844, MedGen C0796089, MONDO:0009760, OMIM 257320.

Submission:

Labcorp Genetics (formerly Invitae), Labcorp
Classification: Uncertain significance for Familial temporal lobe epilepsy 7; Norman-Roberts syndrome. Last evaluated: 2024-07-12. Review status: criteria provided, single submitter. Criteria: Invitae Variant Classification Sherloc (09022015). Collection method: clinical testing. Allele origin: germline.
Comment: This sequence change replaces threonine, which is neutral and polar, with alanine, which is neutral and non-polar, at codon 622 of the RELN protein (p.Thr622Ala). This variant is not present in population databases (gnomAD no frequency). This variant has not been reported in the literature in individuals affected with RELN-related conditions. ClinVar contains an entry for this variant (Variation ID: 1518343). Advanced modeling of protein sequence and biophysical properties (such as structural, functional, and spatial information, amino acid conservation, physicochemical variation, residue mobility, and thermodynamic stability) performed at Invitae indicates that this missense variant is not expected to disrupt RELN protein function with a negative predictive value of 80%. In summary, the available evidence is currently insufficient to determine the role of this variant in disease. Therefore, it has been classified as a Variant of Uncertain Significance.